The following is an entry in ClinVar:

NM_002382.5(MAX):c.289C>T (p.Gln97Ter)

Gene: MAX (MYC associated transcriptional regulator X; minus strand). Cytogenetic location: 14q23.3.
Variant type: single nucleotide variant.
Coding change: c.289C>T on transcript NM_002382.5 (MANE Select); coding-DNA position 289, C replaced by T.
Protein change: p.Gln97Ter; replaces glutamine 97 with a stop codon.
Molecular consequence: nonsense. On other transcripts: synonymous variant (4), 5 prime UTR variant (2), non-coding transcript variant (7), intron variant (2).
Genome position (GRCh38, 1-based): chr14:65,077,919, G>A on the plus strand (C>T on the coding strand, the complement: MAX is on the minus strand). VCF-style: chr14-65077919-G-A. GRCh37 (hg19) VCF-style: chr14-65544637-G-A.
Other names: c.15C>T, p.Ser5= (NM_001320415.2, NM_001407105.1, NM_001407106.1 and 1 more transcripts); c.289C>T, p.Gln97Ter (NM_001407094.1, NM_001407096.1, NM_001407097.1 and 3 more transcripts); c.262C>T, p.Gln88Ter (NM_001407095.1, NM_001407099.1, NM_001407100.1 and 6 more transcripts); c.181C>T, p.Gln61Ter (NM_001407098.1); c.-79C>T (NM_001407111.1, NM_001407112.1); c.144+15789C>T (NM_001271069.2); c.171+15789C>T (NM_197957.4); short protein forms Q97*, Q88*, Q61*.
Identifiers: ClinVar variation 658608 (VCV000658608.11), dbSNP rs1167538050, ClinGen allele CA390035321.

ClinVar aggregate classification (germline): Pathogenic. Review status: criteria provided, multiple submitters, no conflicts (2 of 4 stars). 2 submissions from 2 submitters: Pathogenic (2). Last evaluated 2025-08-21.

Conditions:
Hereditary pheochromocytoma and paraganglioma. Also called: Hereditary paragangliomas and pheochromocytomas; Hereditary pheochromocytoma-paraganglioma; Hereditary Paraganglioma-Pheochromocytoma Syndromes. Identifiers: Orphanet 29072, MedGen C4274332, MONDO:0017366.
Hereditary cancer-predisposing syndrome. Also called: Tumor predisposition; Hereditary Cancer Syndrome; Hereditary neoplastic syndrome; Neoplastic Syndromes, Hereditary. Identifiers: Orphanet 140162, MedGen C0027672, MeSH D009386, MONDO:0015356.

Allele frequency attached by ClinVar (database versions not stated): TOPMed 0.00001.

Submissions (2):

Labcorp Genetics (formerly Invitae), Labcorp
Classification: Pathogenic for Hereditary pheochromocytoma and paraganglioma. Last evaluated: 2025-08-21. Review status: criteria provided, single submitter. Criteria: Invitae Variant Classification Sherloc (09022015). Collection method: clinical testing. Allele origin: germline.
Comment: This sequence change creates a premature translational stop signal (p.Gln97*) in the MAX gene. While this is not anticipated to result in nonsense mediated decay, it is expected to disrupt the last 64 amino acid(s) of the MAX protein. This variant is not present in population databases (gnomAD no frequency). This premature translational stop signal has been observed in individuals with pheochromocytomas (PMID: 29909963, 33219105; internal data). ClinVar contains an entry for this variant (Variation ID: 658608). This variant disrupts the C-terminal domain of the MAX protein, which is essential for protein localization to the nucleus and suppression of MYC transactivation activity (PMID: 1459463, 1730412, 7630640). While functional studies have not been performed to directly test the effect of this variant on MAX protein function, this suggests that disruption of this region of the protein is causative of disease. This variant disrupts a region of the MAX protein in which other variant(s) (p.Leu102Pro) have been observed in individuals with MAX-related conditions (PMID: 22452945). This suggests that this is a clinically significant region of the protein, and that variants that disrupt it are likely to be disease-causing. For these reasons, this variant has been classified as Pathogenic.

Academic Department of Medical Genetics, University of Cambridge
Classification: Pathogenic for Hereditary cancer-predisposing syndrome. Last evaluated: 2018-01-26. Review status: criteria provided, single submitter. Criteria: ACMG Guidelines, 2015. Collection method: research. Allele origin: germline. Affected: yes. Observed: 1 heterozygote.
Comment: Application of AMCG guidelines 2015. Used other ClinVar submission evidence where relevant. Loss of heterozygosity in tumours or immunohistochemistry abnormalities considered functional evidence of pathogenicity.

Identified as part of research study of individuals with multiple primary tumours referred for genetic assessment

Literature cited by the submitters: PubMed 29909963 (cited by Labcorp Genetics (formerly Invitae), Labcorp); PubMed 33219105 (cited by Labcorp Genetics (formerly Invitae), Labcorp); PubMed 1459463 (cited by Labcorp Genetics (formerly Invitae), Labcorp); PubMed 1730412 (cited by Labcorp Genetics (formerly Invitae), Labcorp); PubMed 7630640 (cited by Labcorp Genetics (formerly Invitae), Labcorp); PubMed 22452945 (cited by Labcorp Genetics (formerly Invitae), Labcorp).